The following is an entry in ClinVar:

ClinVar aggregate classification (germline): Uncertain significance (1 of 4 stars; one submission).

Conditions:
Ehlers-Danlos syndrome, type 4 (EDSVASC). Also called: Ehlers-Danlos syndrome vascular type; Ehlers Danlos syndrome, ecchymotic type; Ehlers Danlos syndrome, arterial type; Ehlers Danlos syndrome, Sack-Barabas type; Ehlers-Danlos Syndrome Type IV. Identifiers: Orphanet 286, MedGen C0268338, MONDO:0017314, OMIM 130050.

Submission:

All of Us Research Program, National Institutes of Health
Classification: Uncertain significance for Ehlers-Danlos syndrome, type 4. Last evaluated: 2024-08-23. Review status: criteria provided, single submitter. Criteria: ACMG Guidelines, 2015. Collection method: clinical testing. Allele origin: germline. Inheritance: Autosomal dominant inheritance. Observed: 1 variant allele, 1 heterozygote.
Comment: This variant causes a G to A nucleotide substitution at the +4 position of intron 49 of the COL3A1 gene. To our knowledge, functional studies have not been reported for this variant. This variant has not been reported in individuals affected with COL3A1-related disorders in the literature. This variant has not been identified in the general population by the Genome Aggregation Database (gnomAD). The available evidence is insufficient to determine the role of this variant in disease conclusively. Therefore, this variant is classified as a Variant of Uncertain Significance.

This study involves interpretation of variants in research participants for the purpose of population health screening. Participant phenotype was not available at the time of variant classification. Additional details can be found in publication PMID: 35346344, PMCID: PMC8962531

NM_000090.4(COL3A1):c.4011+4G>A

Gene: COL3A1 (collagen type III alpha 1 chain; plus strand). Cytogenetic location: 2q32.2.
Variant type: single nucleotide variant.
Coding change: c.4011+4G>A on transcript NM_000090.4 (MANE Select); 4 bases into the intron after coding-DNA position 4011, G replaced by A.
Molecular consequence: intron variant.
Genome position (GRCh38, 1-based): chr2:189,010,369, G>A. VCF-style: chr2-189010369-G-A. GRCh37 (hg19) VCF-style: chr2-189875095-G-A.
Identifiers: ClinVar variation 3386500 (VCV003386500.1).